The following is an entry in ClinVar:

ClinVar aggregate classification (germline): Uncertain significance (1 of 4 stars; one submission).

Conditions:
Familial isolated arrhythmogenic right ventricular dysplasia. Identifiers: Orphanet 217656, MedGen C4274968, MONDO:0016342.

Submission:

All of Us Research Program, National Institutes of Health
Classification: Uncertain significance for Familial isolated arrhythmogenic right ventricular dysplasia. Last evaluated: 2023-06-26. Review status: criteria provided, single submitter. Criteria: ACMG Guidelines, 2015. Collection method: clinical testing. Allele origin: germline. Inheritance: Autosomal dominant inheritance. Observed: 1 variant allele, 1 heterozygote.
Comment: This missense variant replaces threonine with isoleucine at codon 293 of the DSC2 protein. Computational prediction suggests that this variant may not impact protein structure and function (internally defined REVEL score threshold <= 0.5, PMID: 27666373). To our knowledge, functional studies have not been reported for this variant. This variant has not been reported in individuals affected with DSC2-related disorders in the literature. This variant has not been identified in the general population by the Genome Aggregation Database (gnomAD). The available evidence is insufficient to determine the role of this variant in disease conclusively. Therefore, this variant is classified as a Variant of Uncertain Significance.

This study involves interpretation of variants in research participants for the purpose of population health screening. Participant phenotype was not available at the time of variant classification. Additional details can be found in publication PMID: 35346344, PMCID: PMC8962531

NM_024422.6(DSC2):c.878C>T (p.Thr293Ile)

Gene: DSC2 (desmocollin 2; minus strand). Cytogenetic location: 18q12.1.
Variant type: single nucleotide variant.
Coding change: c.878C>T on transcript NM_024422.6 (MANE Select); coding-DNA position 878, C replaced by T.
Protein change: p.Thr293Ile; replaces threonine 293 with isoleucine.
Molecular consequence: missense variant.
Genome position (GRCh38, 1-based): chr18:31,086,640, G>A on the plus strand (C>T on the coding strand, the complement: DSC2 is on the minus strand). VCF-style: chr18-31086640-G-A. GRCh37 (hg19) VCF-style: chr18-28666603-G-A.
Other names: c.449C>T, p.Thr150Ile (NM_001406506.1, NM_001406507.1); c.878C>T, p.Thr293Ile (NM_004949.5); short protein forms T150I, T293I.
Identifiers: ClinVar variation 3071946 (VCV003071946.1), dbSNP rs2510951216, ClinGen allele CA402112029.
Genomic context (GRCh38, chr18:31,086,640, plus strand): 5'-CTGTCTAGCTGAGATGATGTTGTGGTGATCACGCCTGTAGTTGGATGCATAGAAAATAGG[G>A]TGGGTGATGGTGGCACCTGCCCAATGATGGAGTACTTCAGGCGTGTGTGCATCGTGTCAG-3'
Protein context (NP_077740.1, residues 283-303): SIIGQVPPSP[Thr293Ile]LFSMHPTTGV